The following is an entry in ClinVar:

NM_152703.5(SAMD9L):c.4043A>C (p.Asn1348Thr)

Gene: SAMD9L (sterile alpha motif domain containing 9 like; minus strand). Cytogenetic location: 7q21.2.
Variant type: single nucleotide variant.
Coding change: c.4043A>C on transcript NM_152703.5 (MANE Select); coding-DNA position 4043, A replaced by C.
Protein change: p.Asn1348Thr; replaces asparagine 1348 with threonine.
Molecular consequence: missense variant.
Genome position (GRCh38, 1-based): chr7:93,131,929, T>G on the plus strand (A>C on the coding strand, the complement: SAMD9L is on the minus strand). VCF-style: chr7-93131929-T-G. GRCh37 (hg19) VCF-style: chr7-92761242-T-G.
Other names: c.4043A>C, p.Asn1348Thr (NM_001350085.2, NM_001303496.3, NM_001303497.3 and 5 more transcripts); short protein forms N1348T.
Identifiers: ClinVar variation 4159245 (VCV004159245.1).

ClinVar aggregate classification (germline): Uncertain significance (1 of 4 stars; one submission).

Conditions:
Inborn genetic diseases. Identifiers: MedGen C0950123, MeSH D030342.

Submission:

Ambry Genetics
Classification: Uncertain significance for Inborn genetic diseases. Last evaluated: 2025-06-20. Review status: criteria provided, single submitter. Criteria: Ambry Variant Classification Scheme 2023. Collection method: clinical testing. Allele origin: germline.
Comment: The p.N1348T variant (also known as c.4043A>C), located in coding exon 1 of the SAMD9L gene, results from an A to C substitution at nucleotide position 4043. The asparagine at codon 1348 is replaced by threonine, an amino acid with similar properties. This amino acid position is conserved. In addition, this alteration is predicted to be tolerated by in silico analysis. Based on the available evidence, the clinical significance of this variant remains unclear.